The following is an entry in ClinVar:

ClinVar aggregate classification (germline): Uncertain significance (1 of 4 stars; one submission).

Conditions:
Autosomal dominant nocturnal frontal lobe epilepsy 5. Also called: Epilepsy, nocturnal frontal lobe, 5; KCNT1-Related Epilepsy; CILIARY DYSKINESIA, PRIMARY, 28, WITHOUT SITUS INVERSUS; CILIARY DYSKINESIA, PRIMARY, 28, WITH SITUS INVERSUS. Identifiers: Orphanet 98784, MedGen C3554306, MONDO:0014002, OMIM 615005.
Developmental and epileptic encephalopathy, 14 (DEE14). Also called: Early infantile epileptic encephalopathy 14. Identifiers: Orphanet 293181, MedGen C3554195, MONDO:0013989, OMIM 614959.

Submission:

Labcorp Genetics (formerly Invitae), Labcorp
Classification: Uncertain significance for Autosomal dominant nocturnal frontal lobe epilepsy 5; Developmental and epileptic encephalopathy, 14. Last evaluated: 2023-04-09. Review status: criteria provided, single submitter. Criteria: Invitae Variant Classification Sherloc (09022015). Collection method: clinical testing. Allele origin: germline.
Comment: Advanced modeling of protein sequence and biophysical properties (such as structural, functional, and spatial information, amino acid conservation, physicochemical variation, residue mobility, and thermodynamic stability) performed at Invitae indicates that this missense variant is not expected to disrupt KCNT1 protein function. In summary, the available evidence is currently insufficient to determine the role of this variant in disease. Therefore, it has been classified as a Variant of Uncertain Significance. ClinVar contains an entry for this variant (Variation ID: 540579). This variant has not been reported in the literature in individuals affected with KCNT1-related conditions. This variant is not present in population databases (gnomAD no frequency). This sequence change replaces phenylalanine, which is neutral and non-polar, with leucine, which is neutral and non-polar, at codon 80 of the KCNT1 protein (p.Phe80Leu).

NM_020822.3(KCNT1):c.240C>G (p.Phe80Leu)

Gene: KCNT1 (potassium sodium-activated channel subfamily T member 1; plus strand). Cytogenetic location: 9q34.3.
Variant type: single nucleotide variant.
Coding change: c.240C>G on transcript NM_020822.3 (MANE Select); coding-DNA position 240, C replaced by G.
Protein change: p.Phe80Leu; replaces phenylalanine 80 with leucine.
Molecular consequence: missense variant. On other transcripts: intron variant (1).
Genome position (GRCh38, 1-based): chr9:135,714,706, C>G. VCF-style: chr9-135714706-C-G. GRCh37 (hg19) VCF-style: chr9-138606552-C-G.
Other names: c.110+12338C>G (NM_001272003.2); short protein forms F80L.
Identifiers: ClinVar variation 540579 (VCV000540579.9), dbSNP rs1554763398, ClinGen allele CA375493448.